The following is an entry in ClinVar:

ClinVar aggregate classification (germline): Uncertain significance (1 of 4 stars; one submission).

Conditions:
Cortical dysplasia-focal epilepsy syndrome (PTHSL1). Also called: Pitt-Hopkins-like syndrome 1. Identifiers: Orphanet 163681, Orphanet 221150, MedGen C2750246, MONDO:0012400, OMIM 610042.

Submission:

Labcorp Genetics (formerly Invitae), Labcorp
Classification: Uncertain significance for Cortical dysplasia-focal epilepsy syndrome. Last evaluated: 2021-02-22. Review status: criteria provided, single submitter. Criteria: Invitae Variant Classification Sherloc (09022015). Collection method: clinical testing. Allele origin: germline.
Comment: This variant results in a copy number gain of the genomic region encompassing exon(s) 13 of the CNTNAP2 gene. While the exact position of this variant cannot be determined from the data, sub-genic copy number gains are generally in tandem (PMID: 25640679). This variant is predicted to be in-frame, and likely preserves the integrity of the reading frame. This variant has not been reported in the literature in individuals with CNTNAP2-related conditions. Experimental studies and prediction algorithms are not available or were not evaluated, and the functional significance of this variant is currently unknown. In summary, the available evidence is currently insufficient to determine the role of this variant in disease. Therefore, it has been classified as a Variant of Uncertain Significance.

Literature cited by the submitters: PubMed 25640679.

NC_000007.13:g.(?_147336178)_(147336418_?)dup

Gene: CNTNAP2 (contactin associated protein 2; plus strand). Cytogenetic location: 7q35.
Variant type: Duplication.
Identifiers: ClinVar variation 2425907 (VCV002425907.2).